The following is an entry in ClinVar:

NM_003738.5(PTCH2):c.3170A>G (p.His1057Arg)

Gene: PTCH2 (patched 2; minus strand). Cytogenetic location: 1p34.1.
Variant type: single nucleotide variant.
Coding change: c.3170A>G on transcript NM_003738.5 (MANE Select); coding-DNA position 3170, A replaced by G.
Protein change: p.His1057Arg; replaces histidine 1057 with arginine.
Molecular consequence: missense variant.
Genome position (GRCh38, 1-based): chr1:44,823,330, T>C on the plus strand (A>G on the coding strand, the complement: PTCH2 is on the minus strand). VCF-style: chr1-44823330-T-C. GRCh37 (hg19) VCF-style: chr1-45289002-T-C.
Other names: c.3170A>G, p.His1057Arg (NM_001166292.2); short protein forms H1057R.
Identifiers: ClinVar variation 856656 (VCV000856656.35), dbSNP rs775788908, ClinGen allele CA822780.

ClinVar aggregate classification (germline): Uncertain significance. Review status: criteria provided, multiple submitters, no conflicts (2 of 4 stars). 3 submissions from 3 submitters: Uncertain significance (3). Last evaluated 2025-02-19.

Conditions:
Gorlin syndrome. Also called: Basal cell nevus syndrome; Nevoid Basal Cell Carcinoma Syndrome. Identifiers: Orphanet 377, MedGen C0004779, MONDO:0007187.

Allele frequency attached by ClinVar (database versions not stated): ExAC 0.00002; gnomAD 0.00002 and 0.00003; gnomAD exomes 0.00002; TOPMed 0.00002.
gnomAD v4.1: 30 of 1,614,068 alleles (0.0019%); highest among the groups gnomAD compares: Non-Finnish European, 0.0022%; no homozygotes.

Submissions (3):

Ambry Genetics
Classification: Uncertain significance. Last evaluated: 2025-02-19. Review status: criteria provided, single submitter. Criteria: Ambry Variant Classification Scheme 2023. Collection method: clinical testing. Allele origin: germline.

CeGaT Center for Human Genetics Tuebingen
Classification: Uncertain significance. Last evaluated: 2022-07-01. Review status: criteria provided, single submitter. Criteria: CeGaT Center For Human Genetics Tuebingen Variant Classification Criteria Version 2. Collection method: clinical testing. Allele origin: germline. Affected: yes. Observed: 1 variant allele.

Labcorp Genetics (formerly Invitae), Labcorp
Classification: Uncertain significance for Gorlin syndrome. Last evaluated: 2021-03-29. Review status: criteria provided, single submitter. Criteria: Invitae Variant Classification Sherloc (09022015). Collection method: clinical testing. Allele origin: germline.
Comment: In summary, the available evidence is currently insufficient to determine the role of this variant in disease. Therefore, it has been classified as a Variant of Uncertain Significance. Algorithms developed to predict the effect of missense changes on protein structure and function output the following: SIFT: "Tolerated"; PolyPhen-2: "Benign"; Align-GVGD: "Class C0". The arginine amino acid residue is found in multiple mammalian species, suggesting that this missense change does not adversely affect protein function. These predictions have not been confirmed by published functional studies and their clinical significance is uncertain. This variant has not been reported in the literature in individuals with PTCH2-related conditions. This variant is present in population databases (rs775788908, ExAC 0.003%). This sequence change replaces histidine with arginine at codon 1057 of the PTCH2 protein (p.His1057Arg). The histidine residue is weakly conserved and there is a small physicochemical difference between histidine and arginine.